The following is an entry in ClinVar:

ClinVar aggregate classification (germline): Uncertain significance (1 of 4 stars; one submission).

Submission:

Labcorp Genetics (formerly Invitae), Labcorp
Classification: Uncertain significance. Last evaluated: 2022-12-22. Review status: criteria provided, single submitter. Criteria: Invitae Variant Classification Sherloc (09022015). Collection method: clinical testing. Allele origin: germline.
Comment: This variant has not been reported in the literature in individuals affected with ABCG8-related conditions. This sequence change replaces tyrosine, which is neutral and polar, with histidine, which is basic and polar, at codon 638 of the ABCG8 protein (p.Tyr638His). This variant is not present in population databases (gnomAD no frequency). Advanced modeling of protein sequence and biophysical properties (such as structural, functional, and spatial information, amino acid conservation, physicochemical variation, residue mobility, and thermodynamic stability) performed at Invitae indicates that this missense variant is not expected to disrupt ABCG8 protein function. In summary, the available evidence is currently insufficient to determine the role of this variant in disease. Therefore, it has been classified as a Variant of Uncertain Significance.

NM_022437.3(ABCG8):c.1912T>C (p.Tyr638His)

Gene: ABCG8 (ATP binding cassette subfamily G member 8; plus strand). Cytogenetic location: 2p21.
Variant type: single nucleotide variant.
Coding change: c.1912T>C on transcript NM_022437.3 (MANE Select); coding-DNA position 1912, T replaced by C.
Protein change: p.Tyr638His; replaces tyrosine 638 with histidine.
Molecular consequence: missense variant.
Genome position (GRCh38, 1-based): chr2:43,877,803, T>C. VCF-style: chr2-43877803-T-C. GRCh37 (hg19) VCF-style: chr2-44104942-T-C.
Other names: c.1909T>C, p.Tyr637His (NM_001357321.2); short protein forms Y637H, Y638H.
Identifiers: ClinVar variation 2078838 (VCV002078838.4), dbSNP rs2104952579, ClinGen allele CA346671242.
Genomic context (GRCh38, chr2:43,877,803, plus strand): 5'-CCTCATGAGCCCACTGCATGTCTGTGTCTCCAGATCCTCAGTGTCATGGAGCTGGACTCG[T>C]ACCCTCTCTACGCCATCTACCTCATCGTCATTGGCCTCAGCGGTGGCTTCATGGTCCTGT-3'
Protein context (NP_071882.1, residues 628-648): KILSVMELDS[Tyr638His]PLYAIYLIVI